The following is an entry in ClinVar:

NM_001385012.1(NBEA):c.2006G>T (p.Gly669Val)

Gene: NBEA (neurobeachin; plus strand). Cytogenetic location: 13q13.3.
Variant type: single nucleotide variant.
Coding change: c.2006G>T on transcript NM_001385012.1 (MANE Select); coding-DNA position 2006, G replaced by T.
Protein change: p.Gly669Val; replaces glycine 669 with valine.
Molecular consequence: missense variant.
Genome position (GRCh38, 1-based): chr13:35,117,417, G>T. VCF-style: chr13-35117417-G-T. GRCh37 (hg19) VCF-style: chr13-35691554-G-T.
Other names: c.2006G>T, p.Gly669Val (NM_001379245.1, NM_015678.5); short protein forms G669V.
Identifiers: ClinVar variation 2578700 (VCV002578700.25), dbSNP rs1422217662, ClinGen allele CA387831714.

ClinVar aggregate classification (germline): Uncertain significance (1 of 4 stars; one submission).

Submission:

CeGaT Center for Human Genetics Tuebingen
Classification: Uncertain significance. Last evaluated: 2023-08-01. Review status: criteria provided, single submitter. Criteria: CeGaT Center For Human Genetics Tuebingen Variant Classification Criteria Version 2. Collection method: clinical testing. Allele origin: germline. Affected: yes. Observed: 1 variant allele.
Comment: NBEA: PM2, PP2